The following is an entry in ClinVar:

ClinVar aggregate classification (germline): Uncertain significance (1 of 4 stars; one submission).

Allele frequency attached by ClinVar (database versions not stated): gnomAD 0.00001; gnomAD exomes 0.00001; TOPMed 0.00001.
gnomAD v4.1: 16 of 1,613,814 alleles (0.00099%); highest among the groups gnomAD compares: Middle Eastern, 0.016%; no homozygotes.

Submission:

Labcorp Genetics (formerly Invitae), Labcorp
Classification: Uncertain significance. Last evaluated: 2021-11-27. Review status: criteria provided, single submitter. Criteria: Invitae Variant Classification Sherloc (09022015). Collection method: clinical testing. Allele origin: germline.
Comment: This sequence change replaces arginine, which is basic and polar, with tryptophan, which is neutral and slightly polar, at codon 1459 of the LAMC3 protein (p.Arg1459Trp). This variant is present in population databases (no rsID available, gnomAD 0.003%). This variant has not been reported in the literature in individuals affected with LAMC3-related conditions. Algorithms developed to predict the effect of missense changes on protein structure and function output the following: SIFT: "Deleterious"; PolyPhen-2: "Benign"; Align-GVGD: "Class C0". The tryptophan amino acid residue is found in multiple mammalian species, which suggests that this missense change does not adversely affect protein function. In summary, the available evidence is currently insufficient to determine the role of this variant in disease. Therefore, it has been classified as a Variant of Uncertain Significance.

NM_006059.4(LAMC3):c.4375C>T (p.Arg1459Trp)

Gene: LAMC3 (laminin subunit gamma 3; plus strand). Cytogenetic location: 9q34.12.
Variant type: single nucleotide variant.
Coding change: c.4375C>T on transcript NM_006059.4 (MANE Select); coding-DNA position 4375, C replaced by T.
Protein change: p.Arg1459Trp; replaces arginine 1459 with tryptophan.
Molecular consequence: missense variant.
Genome position (GRCh38, 1-based): chr9:131,087,620, C>T. VCF-style: chr9-131087620-C-T. GRCh37 (hg19) VCF-style: chr9-133963007-C-T.
Other names: short protein forms R1459W.
Identifiers: ClinVar variation 1524024 (VCV001524024.6), dbSNP rs1411067036, ClinGen allele CA375265771.
Genomic context (GRCh38, chr9:131,087,620, plus strand): 5'-CAGGCGTCCCAGCAGGTGCTGGCGTCTGAAGCACGCAGACAGGAGCTGGAGGAAGCTGAG[C>T]GGGTACGTTTGCCAGGGCCCCTACCCTATCGCCTCCTGCCCCTGGCAGCCCGGGTGGGGA-3'
Protein context (NP_006050.3, residues 1449-1469): ARRQELEEAE[Arg1459Trp]VGAGLSEMEQ